The following is an entry in ClinVar:

ClinVar aggregate classification (germline): Pathogenic/Likely pathogenic. Review status: criteria provided, multiple submitters, no conflicts (2 of 4 stars). 2 submissions from 2 submitters: Pathogenic (1); Likely pathogenic (1). Last evaluated 2024-07-05.

Conditions:
Citrullinemia. Identifiers: Orphanet 187, MedGen C0175683, MONDO:0015991.
Citrullinemia type I (CTNL1). Also called: argininosuccinate synthetase deficiency; ASS DEFICIENCY. Identifiers: Orphanet 247525, MedGen C4721769, MONDO:0008988, OMIM 215700.

gnomAD v4.1: 9 of 1,613,816 alleles (0.00056%); highest among the groups gnomAD compares: Non-Finnish European, 0.00076%; no homozygotes.

Submissions (2):

Natera, Inc.
Classification: Likely pathogenic for Citrullinemia type I. Last evaluated: 2024-07-05. Review status: criteria provided, single submitter. Criteria: Natera Variant Classification Schema (03/2026). Collection method: clinical testing. Allele origin: germline.
Comment: The c.773+1G>T variant in ASS1 is a canonical splice donor site variant predicted to affect pre-mRNA splicing, which may result in an abnormal transcript and altered protein product. This variant is expected to result in nonsense mediated decay, truncation, or a dysfunctional protein product. This variant is rare in the general population with a frequency below the threshold expected for the associated phenotype(s). Given the available evidence, this variant is classified as Likely Pathogenic.

Labcorp Genetics (formerly Invitae), Labcorp
Classification: Pathogenic for Citrullinemia. Last evaluated: 2024-02-09. Review status: criteria provided, single submitter. Criteria: Invitae Variant Classification Sherloc (09022015). Collection method: clinical testing. Allele origin: germline.
Comment: This sequence change affects a donor splice site in intron 11 of the ASS1 gene. It is expected to disrupt RNA splicing. Variants that disrupt the donor or acceptor splice site typically lead to a loss of protein function (PMID: 16199547), and loss-of-function variants in ASS1 are known to be pathogenic (PMID: 18473344, 19006241). This variant is not present in population databases (gnomAD no frequency). Disruption of this splice site has been observed in individual(s) with citrullinemia (PMID: 25179242). Algorithms developed to predict the effect of sequence changes on RNA splicing suggest that this variant may disrupt the consensus splice site. For these reasons, this variant has been classified as Pathogenic.

Literature cited by the submitters: PubMed 16199547 (cited by Labcorp Genetics (formerly Invitae), Labcorp); PubMed 18473344 (cited by Labcorp Genetics (formerly Invitae), Labcorp); PubMed 19006241 (cited by Labcorp Genetics (formerly Invitae), Labcorp); PubMed 25179242 (cited by Labcorp Genetics (formerly Invitae), Labcorp).

NM_054012.4(ASS1):c.773+1G>T

Gene: ASS1 (argininosuccinate synthase 1; plus strand). Cytogenetic location: 9q34.11.
Variant type: single nucleotide variant.
Coding change: c.773+1G>T on transcript NM_054012.4 (MANE Select); the canonical splice donor site of the intron after coding-DNA position 773, G replaced by T.
Molecular consequence: splice donor variant.
Genome position (GRCh38, 1-based): chr9:130,479,801, G>T. VCF-style: chr9-130479801-G-T. GRCh37 (hg19) VCF-style: chr9-133355188-G-T.
Other names: c.773+1G>T (NM_000050.4).
Identifiers: ClinVar variation 2803980 (VCV002803980.4), dbSNP rs982830431, ClinGen allele CA375229401.